The following is an entry in ClinVar:

ClinVar aggregate classification (germline): Uncertain significance. Review status: criteria provided, multiple submitters, no conflicts (2 of 4 stars). 2 submissions from 2 submitters: Uncertain significance (2). Last evaluated 2025-06-20.

Conditions:
Inborn genetic diseases. Identifiers: MedGen C0950123, MeSH D030342.

gnomAD v4.1: 91 of 1,612,116 alleles (0.0056%); highest among the groups gnomAD compares: Non-Finnish European, 0.0074%; no homozygotes.

Submissions (2):

Mayo Clinic Laboratories, Mayo Clinic
Classification: Uncertain significance. Last evaluated: 2025-06-20. Review status: criteria provided, single submitter. Criteria: ACMG Guidelines, 2015. Collection method: clinical testing. Allele origin: germline. Observed: 1 variant allele.
Comment: BP4_moderate

Ambry Genetics
Classification: Uncertain significance for Inborn genetic diseases. Last evaluated: 2024-09-03. Review status: criteria provided, single submitter. Criteria: Ambry Variant Classification Scheme 2023. Collection method: clinical testing. Allele origin: germline.

NM_001372.4(DNAH9):c.4022G>A (p.Arg1341Gln)

Gene: DNAH9 (dynein axonemal heavy chain 9; plus strand). Cytogenetic location: 17p12.
Variant type: single nucleotide variant.
Coding change: c.4022G>A on transcript NM_001372.4 (MANE Select); coding-DNA position 4022, G replaced by A.
Protein change: p.Arg1341Gln; replaces arginine 1341 with glutamine.
Molecular consequence: missense variant.
Genome position (GRCh38, 1-based): chr17:11,689,844, G>A. VCF-style: chr17-11689844-G-A. GRCh37 (hg19) VCF-style: chr17-11593161-G-A.
Other names: p.Arg1341Gln; short protein forms R1341Q.
Identifiers: ClinVar variation 3503727 (VCV003503727.2).